The following is an entry in ClinVar:

ClinVar aggregate classification (germline): Likely benign. Review status: criteria provided, multiple submitters, no conflicts (2 of 4 stars). 3 submissions from 3 submitters: Likely benign (3). Last evaluated 2026-07-01.

Allele frequency attached by ClinVar (database versions not stated): ExAC 0.00003; gnomAD exomes 0.00005; gnomAD 0.00007 and 0.00009; TOPMed 0.00007.
gnomAD v4.1: 68 of 1,613,462 alleles (0.0042%); highest among the groups gnomAD compares: Admixed American, 0.022%; no homozygotes.

Submissions (3):

CeGaT Center for Human Genetics Tuebingen
Classification: Likely benign. Last evaluated: 2026-07-01. Review status: criteria provided, single submitter. Criteria: CeGaT Center For Human Genetics Tuebingen Variant Classification Criteria Version 2. Collection method: clinical testing. Allele origin: germline. Affected: yes. Observed: 1 variant allele.
Comment: AHDC1: BP4, BP7

Labcorp Genetics (formerly Invitae), Labcorp
Classification: Likely benign. Last evaluated: 2024-04-17. Review status: criteria provided, single submitter. Criteria: Invitae Variant Classification Sherloc (09022015). Collection method: clinical testing. Allele origin: germline.

GeneDx
Classification: Likely benign. Last evaluated: 2021-05-04. Review status: criteria provided, single submitter. Criteria: GeneDx Variant Classification Process June 2021. Collection method: clinical testing. Allele origin: germline. Affected: yes.

NM_001371928.1(AHDC1):c.2232C>G (p.Ser744=)

Gene: AHDC1 (AT-hook DNA binding motif containing 1; minus strand). Cytogenetic location: 1p36.11.
Variant type: single nucleotide variant.
Coding change: c.2232C>G on transcript NM_001371928.1 (MANE Select); coding-DNA position 2232, C replaced by G.
Protein change: p.Ser744=; no amino-acid change (serine 744 retained).
Molecular consequence: synonymous variant.
Genome position (GRCh38, 1-based): chr1:27,549,884, G>C on the plus strand (C>G on the coding strand, the complement: AHDC1 is on the minus strand). VCF-style: chr1-27549884-G-C. GRCh37 (hg19) VCF-style: chr1-27876395-G-C.
Other names: c.2232C>G, p.Ser744= (NM_001029882.3).
Identifiers: ClinVar variation 1183397 (VCV001183397.6), dbSNP rs766264781, ClinGen allele CA715804.